The following is an entry in ClinVar:

NM_001875.5(CPS1):c.3983del (p.Glu1328fs)

Gene: CPS1 (carbamoyl-phosphate synthase 1; plus strand). Cytogenetic location: 2q34.
Variant type: Deletion.
Coding change: c.3983del on transcript NM_001875.5 (MANE Select); coding-DNA position 3983, one base deleted (A; older notation c.3983delA).
Protein change: p.Glu1328fs; shifts the reading frame from glutamic acid 1328.
Molecular consequence: frameshift variant. On other transcripts: non-coding transcript variant (2).
Genome position (GRCh38, 1-based): chr2:210,663,178, A deleted. VCF-style (leftmost placement, unchanged base first): chr2-210663177-GA-G. GRCh37 (hg19) VCF-style: chr2-211527901-GA-G.
Other names: c.3983del, p.Glu1328fs (NM_001122633.3, NM_001369257.1); c.4016del, p.Glu1339fs (NM_001369256.1); short protein forms E1328fs, E1339fs.
Identifiers: ClinVar variation 4814965 (VCV004814965.1).

ClinVar aggregate classification (germline): Likely pathogenic (1 of 4 stars; one submission).

Conditions:
Congenital hyperammonemia, type I. Also called: Carbamoyl phosphate synthetase I deficiency disease; CPS I DEFICIENCY; Carbamoyl phosphate synthetase 1 deficiency; Hyperammonemia due to carbamoyl phosphate synthetase 1 deficiency; CPS 1 deficiency; Carbamyl phosphate synthetase (CPS) deficiency. Identifiers: Orphanet 147, MedGen C4082171, MONDO:0009376, OMIM 237300.

Submission:

Natera, Inc.
Classification: Likely pathogenic for Carbamoyl-phosphate synthase I deficiency. Last evaluated: 2024-04-18. Review status: criteria provided, single submitter. Criteria: Natera Variant Classification Schema (03/2026). Collection method: clinical testing. Allele origin: germline.
Comment: The c.3983delA variant in CPS1 is a frameshift variant predicted to shift the reading frame beginning at codon 1328 and leads to a stop codon 20 codons downstream. This variant is expected to result in nonsense mediated decay, truncation, or a dysfunctional protein product. This variant is rare in the general population with a frequency below the threshold expected for the associated phenotype(s). Given the available evidence, this variant is classified as Likely Pathogenic.